The following is an entry in ClinVar:

ClinVar aggregate classification (germline): Uncertain significance. Review status: criteria provided, multiple submitters, no conflicts (2 of 4 stars). 2 submissions from 2 submitters: Uncertain significance (2). Last evaluated 2025-07-01.

Conditions:
Inborn genetic diseases. Identifiers: MedGen C0950123, MeSH D030342.

Submissions (2):

Women's Health and Genetics/Laboratory Corporation of America, LabCorp
Classification: Uncertain significance. Last evaluated: 2025-07-01. Review status: criteria provided, single submitter. Criteria: LabCorp Variant Classification Summary - May 2015. Collection method: clinical testing. Allele origin: germline.
Comment: Variant summary: SLC32A1 c.673A>T (p.Ser225Cys) results in a non-conservative amino acid change in the encoded protein sequence. Algorithms developed to predict the effect of missense changes on protein structure and function are either unavailable or do not agree on the potential impact of this missense change. The variant was absent in 251336 control chromosomes. The available data on variant occurrences in the general population are insufficient to allow any conclusion about variant significance. To our knowledge, no occurrence of c.673A>T in individuals affected with SLC32A1-Related Disorders and no experimental evidence demonstrating its impact on protein function have been reported. ClinVar contains an entry for this variant (Variation ID: 2465498). Based on the evidence outlined above, the variant was classified as uncertain significance.

Ambry Genetics
Classification: Uncertain significance for Inborn genetic diseases. Last evaluated: 2023-03-07. Review status: criteria provided, single submitter. Criteria: Ambry Variant Classification Scheme 2023. Collection method: clinical testing. Allele origin: germline.

NM_080552.3(SLC32A1):c.673A>T (p.Ser225Cys)

Gene: SLC32A1 (solute carrier family 32 member 1; plus strand). Cytogenetic location: 20q11.23.
Variant type: single nucleotide variant.
Coding change: c.673A>T on transcript NM_080552.3 (MANE Select); coding-DNA position 673, A replaced by T.
Protein change: p.Ser225Cys; replaces serine 225 with cysteine.
Molecular consequence: missense variant.
Genome position (GRCh38, 1-based): chr20:38,727,734, A>T. VCF-style: chr20-38727734-A-T. GRCh37 (hg19) VCF-style: chr20-37356377-A-T.
Other names: short protein forms S225C.
Identifiers: ClinVar variation 2465498 (VCV002465498.4), dbSNP rs1420501445, ClinGen allele CA408904828.
Genomic context (GRCh38, chr20:38,727,734, plus strand): 5'-GTGGTGAACGTAGCGCAGATCATCGAGCTGGTGATGACGTGCATCCTGTACGTGGTGGTG[A>T]GTGGCAACCTCATGTACAACAGCTTCCCGGGGCTGCCCGTGTCGCAGAAGTCCTGGTCCA-3'
Protein context (NP_542119.1, residues 215-235): VMTCILYVVV[Ser225Cys]GNLMYNSFPG